The following is an entry in ClinVar:

NM_002198.3(IRF1):c.853+77G>A

Gene: IRF1 (interferon regulatory factor 1; minus strand). Cytogenetic location: 5q31.1.
Variant type: single nucleotide variant.
Coding change: c.853+77G>A on transcript NM_002198.3 (MANE Select); 77 bases into the intron after coding-DNA position 853, G replaced by A.
Molecular consequence: intron variant.
Genome position (GRCh38, 1-based): chr5:132,484,285, C>T on the plus strand (G>A on the coding strand, the complement: IRF1 is on the minus strand). VCF-style: chr5-132484285-C-T. GRCh37 (hg19) VCF-style: chr5-131819977-C-T.
Other names: c.730+77G>A (NM_001354924.1); c.668-210G>A (NM_001354925.1).
Identifiers: ClinVar variation 2688399 (VCV002688399.2), dbSNP rs2070728, ClinGen allele CA12010470.

ClinVar aggregate classification (germline): Benign (1 of 4 stars; one submission).

Allele frequency attached by ClinVar (database versions not stated): gnomAD exomes 0.32703; gnomAD 0.37768; TOPMed 0.38134; 1000 Genomes Project 30x 0.40287; 1000 Genomes Project 0.40615.

Submission:

Unidad de Genómica Garrahan, Hospital de Pediatría Garrahan
Classification: Benign. Last evaluated: 2024-01-24. Review status: criteria provided, single submitter. Criteria: ACMG Guidelines, 2015. Collection method: clinical testing. Allele origin: germline. Affected: no. Observed: 51 variant alleles.
Comment: This variant is classified as Benign based on local population frequency. This variant was detected in 58% of patients studied by a panel of primary immunodeficiencies. Number of patients: 51. Only high quality variants are reported.